The following is an entry in ClinVar:

NM_014363.6(SACS):c.11319_11321del (p.Arg3774del)

Gene: SACS (sacsin molecular chaperone; minus strand). Cytogenetic location: 13q12.12.
Variant type: Deletion.
Coding change: c.11319_11321del on transcript NM_014363.6 (MANE Select); coding-DNA positions 11319 to 11321, 3 bases deleted (AAG; older notation c.11319_11321delAAG).
Protein change: p.Arg3774del; deletes arginine 3774.
Molecular consequence: inframe deletion.
Genome position (GRCh38, 1-based): chr13:23,332,555-23,332,557, CTT deleted on the plus strand (AAG on the coding strand, the reverse complement: SACS is on the minus strand). VCF-style (leftmost placement, unchanged base first): chr13-23332554-CCTT-C. GRCh37 (hg19) VCF-style: chr13-23906693-CCTT-C.
Other names: c.10878_10880del, p.Arg3627del (NM_001278055.2); short protein forms R3627del, R3774del.
Identifiers: ClinVar variation 853474 (VCV000853474.7), dbSNP rs1883553503, ClinGen allele CA916083349.
Genomic context (GRCh38, chr13:23,332,554, plus strand): 5'-AACCCCTCGCAACTGAAAACGAAATTCCCTTTTTTCTGCACTGAGGAATTCATATATGCT[CCTT>C]AAGACTTTTGCTCTAGTTTTTACCATTTCTTCATCCAACGTCGTTATGTTGCATATGTTT-3'

ClinVar aggregate classification (germline): Uncertain significance (1 of 4 stars; one submission).

Conditions:
Spastic paraplegia. Identifiers: HP:0007216, MedGen C0037772.

Allele frequency attached by ClinVar (database versions not stated): gnomAD exomes 0.00001.

Submission:

Labcorp Genetics (formerly Invitae), Labcorp
Classification: Uncertain significance for Spastic paraplegia. Last evaluated: 2021-08-13. Review status: criteria provided, single submitter. Criteria: Invitae Variant Classification Sherloc (09022015). Collection method: clinical testing. Allele origin: germline.
Comment: This variant, c.11319_11321del, results in the deletion of 1 amino acid(s) of the SACS protein (p.Arg3774del), but otherwise preserves the integrity of the reading frame. This variant is not present in population databases (ExAC no frequency). This variant has not been reported in the literature in individuals affected with SACS-related conditions. Experimental studies and prediction algorithms are not available or were not evaluated, and the functional significance of this variant is currently unknown. In summary, the available evidence is currently insufficient to determine the role of this variant in disease. Therefore, it has been classified as a Variant of Uncertain Significance.